The following is an entry in ClinVar:

ClinVar aggregate classification (germline): Uncertain significance (1 of 4 stars; one submission).

Submission:

GeneDx
Classification: Uncertain significance. Last evaluated: 2024-03-17. Review status: criteria provided, single submitter. Criteria: GeneDx Variant Classification Process June 2021. Collection method: clinical testing. Allele origin: germline. Affected: yes.
Comment: Not observed at significant frequency in large population cohorts (gnomAD); In silico analysis supports that this missense variant does not alter protein structure/function; Has not been previously published as pathogenic or benign to our knowledge

NM_020461.4(TUBGCP6):c.3977G>C (p.Gly1326Ala)

Gene: TUBGCP6 (tubulin gamma complex component 6; minus strand). Cytogenetic location: 22q13.33.
Variant type: single nucleotide variant.
Coding change: c.3977G>C on transcript NM_020461.4 (MANE Select); coding-DNA position 3977, G replaced by C.
Protein change: p.Gly1326Ala; replaces glycine 1326 with alanine.
Molecular consequence: missense variant.
Genome position (GRCh38, 1-based): chr22:50,220,382, C>G on the plus strand (G>C on the coding strand, the complement: TUBGCP6 is on the minus strand). VCF-style: chr22-50220382-C-G. GRCh37 (hg19) VCF-style: chr22-50658811-C-G.
Other names: short protein forms G1326A.
Identifiers: ClinVar variation 3371048 (VCV003371048.1).